The following is an entry in ClinVar:

ClinVar aggregate classification (germline): Likely benign. Review status: criteria provided, multiple submitters, no conflicts (2 of 4 stars). 2 submissions from 2 submitters: Likely benign (2). Last evaluated 2026-06-01.

Allele frequency attached by ClinVar (database versions not stated): gnomAD exomes 0.00006; gnomAD 0.00023; ExAC 0.00068; 1000 Genomes Project 0.00200.
gnomAD v4.1: 75 of 1,605,052 alleles (0.0047%); highest among the groups gnomAD compares: African/African-American, 0.023%; no homozygotes.

Submissions (2):

CeGaT Center for Human Genetics Tuebingen
Classification: Likely benign. Last evaluated: 2026-06-01. Review status: criteria provided, single submitter. Criteria: CeGaT Center For Human Genetics Tuebingen Variant Classification Criteria Version 2. Collection method: clinical testing. Allele origin: germline. Affected: yes. Observed: 3 variant alleles.
Comment: ACAN: BP4, BP7

Women's Health and Genetics/Laboratory Corporation of America, LabCorp
Classification: Likely benign. Last evaluated: 2024-07-18. Review status: criteria provided, single submitter. Criteria: LabCorp Variant Classification Summary - May 2015. Collection method: clinical testing. Allele origin: germline.

NM_001369268.1(ACAN):c.2922T>C (p.Ser974=)

Gene: ACAN (aggrecan; plus strand). Cytogenetic location: 15q26.1.
Variant type: single nucleotide variant.
Coding change: c.2922T>C on transcript NM_001369268.1 (MANE Select); coding-DNA position 2922, T replaced by C.
Protein change: p.Ser974=; no amino-acid change (serine 974 retained).
Molecular consequence: synonymous variant.
Genome position (GRCh38, 1-based): chr15:88,855,507, T>C. VCF-style: chr15-88855507-T-C. GRCh37 (hg19) VCF-style: chr15-89398738-T-C.
Other names: c.2922T>C, p.Ser974= (NM_001411096.1, NM_001411097.1, NM_013227.4 and 1 more transcripts).
Identifiers: ClinVar variation 2645673 (VCV002645673.25), dbSNP rs62023517, ClinGen allele CA7719969.
Genomic context (GRCh38, chr15:88,855,507, plus strand): 5'-CAGTGGACTTCCTTCTGGAGAAGTTCTAGAGACCTCTGCCTCTGGAGTAGGAGACCTCAG[T>C]GGGCTTCCTTCTGGAGAAGTTCTAGAGACCACTGCCCCTGGAGTAGAGGACATCAGCGGG-3'
Protein context (NP_001356197.1, residues 964-984): ETSASGVGDL[Ser974=]GLPSGEVLET